The following is an entry in ClinVar:

NM_004973.4(JARID2):c.1506del (p.Thr503fs)

Gene: JARID2 (jumonji and AT-rich interaction domain containing 2; plus strand). Cytogenetic location: 6p22.3.
Variant type: Deletion.
Coding change: c.1506del on transcript NM_004973.4 (MANE Select); coding-DNA position 1506, one base deleted (C; older notation c.1506delC).
Protein change: p.Thr503fs; shifts the reading frame from threonine 503.
Molecular consequence: frameshift variant.
Genome position (GRCh38, 1-based): chr6:15,496,731, C deleted; the last of 2 consecutive C bases (chr6:15,496,730-15,496,731); deleting either gives the same sequence. VCF-style (leftmost placement, unchanged base first): chr6-15496729-GC-G. GRCh37 (hg19) VCF-style: chr6-15496960-GC-G.
Other names: c.990del, p.Thr331fs (NM_001267040.1); short protein forms T331fs, T503fs.
Identifiers: ClinVar variation 1326871 (VCV001326871.3), dbSNP rs2127735189, ClinGen allele CA2573052623.
Genomic context (GRCh38, chr6:15,496,729, plus strand): 5'-AACGGACACGTGAAGAAGGAAGTGCCGGAGCGCAGTCTGGAGAGGAATCGGCCGAAGCGG[GC>G]CACGGCCGGGAAGAGCACGCCAGGCAGACAAGCACATGGCAAGGCGGACAGCGCCTCCTG-3'

ClinVar aggregate classification (germline): Pathogenic (1 of 4 stars; one submission).

Conditions:
Mild intellectual disability. Identifiers: MedGen C0026106, HP:0001256.

Submission:

Center for Human Genetics and Genomic Medicine, Uniklinik Rwth Aachen
Classification: Pathogenic for Mild intellectual disability. Last evaluated: 2021-12-02. Review status: criteria provided, single submitter. Criteria: ACMG Guidelines, 2015. Collection method: clinical testing. Allele origin: de novo. Inheritance: Autosomal dominant inheritance. Affected: yes. Observed: 1 heterozygote.
Comment: The detected alteration has not yet been reported in the relevant databases (dbSNP151, gnomAD, ClinVar) or literature. In the case of stop or nonsense variants in a gene matching the phenotype, a pathogenetic relevance can be assumed with high probability. At the present time, the variant is to be classified as a pa-thogenic variant (ACMG criteria).